The following is an entry in ClinVar:

NM_000428.3(LTBP2):c.5420dup (p.Tyr1808fs)

Gene: LTBP2 (latent transforming growth factor beta binding protein 2; minus strand). Cytogenetic location: 14q24.3.
Variant type: Duplication.
Coding change: c.5420dup on transcript NM_000428.3 (MANE Select); coding-DNA position 5420, one base duplicated (G; older notation c.5420dupG).
Protein change: p.Tyr1808fs; shifts the reading frame from tyrosine 1808.
Molecular consequence: frameshift variant.
Genome position (GRCh38, 1-based): chr14:74,500,930, C duplicated on the plus strand (G on the coding strand, the reverse complement: LTBP2 is on the minus strand); the first of 3 consecutive C bases (chr14:74,500,930-74,500,932); duplicating any one gives the same sequence. VCF-style (leftmost placement, unchanged base first): chr14-74500929-T-TC. GRCh37 (hg19) VCF-style: chr14-74967632-T-TC.
Other names: short protein forms Y1808fs.
Identifiers: ClinVar variation 4809690 (VCV004809690.1).

ClinVar aggregate classification (germline): Pathogenic (1 of 4 stars; one submission).

Submission:

Labcorp Genetics (formerly Invitae), Labcorp
Classification: Pathogenic. Last evaluated: 2025-08-29. Review status: criteria provided, single submitter. Criteria: Invitae Variant Classification Sherloc (09022015). Collection method: clinical testing. Allele origin: germline.
Comment: This sequence change creates a premature translational stop signal (p.Tyr1808Ilefs*4) in the LTBP2 gene. While this is not anticipated to result in nonsense mediated decay, it is expected to disrupt the last 14 amino acid(s) of the LTBP2 protein. This variant is not present in population databases (gnomAD no frequency). This variant has not been reported in the literature in individuals affected with LTBP2-related conditions. Algorithms developed to predict the effect of sequence changes on RNA splicing suggest that this variant may disrupt the consensus splice site. This variant disrupts a region of the LTBP2 protein in which other variant(s) (p.His1816Profs*28) have been determined to be pathogenic (PMID: 20617341). This suggests that this is a clinically significant region of the protein, and that variants that disrupt it are likely to be disease-causing. For these reasons, this variant has been classified as Pathogenic.

Literature cited by the submitters: PubMed 20617341.